The following is an entry in ClinVar:

NM_021930.6(RINT1):c.1508T>C (p.Leu503Pro)

Gene: RINT1 (RAD50 interactor 1; plus strand). Cytogenetic location: 7q22.3.
Variant type: single nucleotide variant.
Coding change: c.1508T>C on transcript NM_021930.6 (MANE Select); coding-DNA position 1508, T replaced by C.
Protein change: p.Leu503Pro; replaces leucine 503 with proline.
Molecular consequence: missense variant.
Genome position (GRCh38, 1-based): chr7:105,555,064, T>C. VCF-style: chr7-105555064-T-C. GRCh37 (hg19) VCF-style: chr7-105195511-T-C.
Other names: c.1274T>C, p.Leu425Pro (NM_001346599.2); c.485T>C, p.Leu162Pro (NM_001346600.2, NM_001346603.2); c.584T>C, p.Leu195Pro (NM_001346601.2); short protein forms L503P, L162P, L195P, L425P.
Identifiers: ClinVar variation 1774124 (VCV001774124.2), dbSNP rs1791117364, ClinGen allele CA368811340.

ClinVar aggregate classification (germline): Uncertain significance (1 of 4 stars; one submission).

Allele frequency attached by ClinVar (database versions not stated): TOPMed below 0.00001.

Submission:

Ambry Genetics
Classification: Uncertain significance. Last evaluated: 2022-01-15. Review status: criteria provided, single submitter. Criteria: Ambry Variant Classification Scheme 2023. Collection method: clinical testing. Allele origin: germline.
Comment: The p.L503P variant (also known as c.1508T>C), located in coding exon 11 of the RINT1 gene, results from a T to C substitution at nucleotide position 1508. The leucine at codon 503 is replaced by proline, an amino acid with similar properties. This amino acid position is conserved. In addition, this alteration is predicted to be deleterious by in silico analysis. Since supporting evidence is limited at this time, the clinical significance of this alteration remains unclear.